The following is an entry in ClinVar:

ClinVar aggregate classification (germline): Uncertain significance (1 of 4 stars; one submission).

Conditions:
Primary immunodeficiency with post-measles-mumps-rubella vaccine viral infection. Also called: Immunodeficiency 44. Identifiers: Orphanet 431166, MedGen C4225260, MONDO:0014715, OMIM 616636.

Allele frequency attached by ClinVar (database versions not stated): gnomAD 0.00001.
gnomAD v4.1: 3 of 1,614,096 alleles (0.00019%); highest among the groups gnomAD compares: Non-Finnish European, 0.00025%; no homozygotes.

Submission:

Labcorp Genetics (formerly Invitae), Labcorp
Classification: Uncertain significance for Primary immunodeficiency with post-measles-mumps-rubella vaccine viral infection. Last evaluated: 2024-02-12. Review status: criteria provided, single submitter. Criteria: Invitae Variant Classification Sherloc (09022015). Collection method: clinical testing. Allele origin: germline.
Comment: This sequence change replaces glutamine, which is neutral and polar, with leucine, which is neutral and non-polar, at codon 243 of the STAT2 protein (p.Gln243Leu). This variant is present in population databases (no rsID available, gnomAD 0.0009%). This variant has not been reported in the literature in individuals affected with STAT2-related conditions. ClinVar contains an entry for this variant (Variation ID: 2012329). Advanced modeling of protein sequence and biophysical properties (such as structural, functional, and spatial information, amino acid conservation, physicochemical variation, residue mobility, and thermodynamic stability) performed at Invitae indicates that this missense variant is expected to disrupt STAT2 protein function with a positive predictive value of 80%. In summary, the available evidence is currently insufficient to determine the role of this variant in disease. Therefore, it has been classified as a Variant of Uncertain Significance.

NM_005419.4(STAT2):c.728A>T (p.Gln243Leu)

Gene: STAT2 (signal transducer and activator of transcription 2; minus strand). Cytogenetic location: 12q13.3.
Variant type: single nucleotide variant.
Coding change: c.728A>T on transcript NM_005419.4 (MANE Select); coding-DNA position 728, A replaced by T.
Protein change: p.Gln243Leu; replaces glutamine 243 with leucine.
Molecular consequence: missense variant.
Genome position (GRCh38, 1-based): chr12:56,354,520, T>A on the plus strand (A>T on the coding strand, the complement: STAT2 is on the minus strand). VCF-style: chr12-56354520-T-A. GRCh37 (hg19) VCF-style: chr12-56748304-T-A.
Other names: c.716A>T, p.Gln239Leu (NM_001385110.1, NM_001385115.1, NM_198332.2); c.728A>T, p.Gln243Leu (NM_001385111.1, NM_001385113.1, NM_001385114.1); short protein forms Q239L, Q243L.
Identifiers: ClinVar variation 2012329 (VCV002012329.4), dbSNP rs1435365538, ClinGen allele CA385262640.